The following is an entry in ClinVar:

NM_003072.5(SMARCA4):c.27C>A (p.Gly9=)

Gene: SMARCA4 (SWI/SNF related BAF chromatin remodeling complex subunit ATPase 4; plus strand). Cytogenetic location: 19p13.2.
Variant type: single nucleotide variant.
Coding change: c.27C>A on transcript NM_003072.5 (MANE Select); coding-DNA position 27, C replaced by A.
Protein change: p.Gly9=; no amino-acid change (glycine 9 retained).
Molecular consequence: synonymous variant. On other transcripts: non-coding transcript variant (1).
Genome position (GRCh38, 1-based): chr19:10,984,178, C>A. VCF-style: chr19-10984178-C-A. GRCh37 (hg19) VCF-style: chr19-11094854-C-A.
Other names: c.27C>A, p.Gly9= (NM_001128844.3, NM_001128845.2, NM_001128846.2 and 4 more transcripts).
Identifiers: ClinVar variation 754894 (VCV000754894.16), dbSNP rs372102929, ClinGen allele CA505487049.

ClinVar aggregate classification (germline): Benign/Likely benign. Review status: criteria provided, multiple submitters, no conflicts (2 of 4 stars). 4 submissions from 4 submitters: Benign (1); Likely benign (3). Last evaluated 2026-07-08.

Conditions:
Rhabdoid tumor predisposition syndrome 2 (RTPS2). Identifiers: Orphanet 231108, Orphanet 69077, MedGen C2750074, MONDO:0013224, OMIM 613325.
Hereditary cancer-predisposing syndrome. Also called: Hereditary neoplastic syndrome; Neoplastic Syndromes, Hereditary; Tumor predisposition; Hereditary Cancer Syndrome. Identifiers: Orphanet 140162, MedGen C0027672, MeSH D009386, MONDO:0015356.

gnomAD v4.1: 2 of 1,613,458 alleles (0.00012%); highest among the groups gnomAD compares: Admixed American, 0.0017%; no homozygotes.

Submissions (4):

Myriad Genetics, Inc.
Classification: Benign for Rhabdoid tumor predisposition syndrome 2. Last evaluated: 2026-07-08. Review status: criteria provided, single submitter. Criteria: Myriad Autosomal Dominant, Autosomal Recessive and X-Linked Classification Criteria (2023). Collection method: clinical testing. Allele origin: unknown.
Comment: This variant is considered benign. This variant is a silent/synonymous amino acid change and it is not expected to impact splicing.

Labcorp Genetics (formerly Invitae), Labcorp
Classification: Likely benign for Rhabdoid tumor predisposition syndrome 2. Last evaluated: 2024-10-30. Review status: criteria provided, single submitter. Criteria: Invitae Variant Classification Sherloc (09022015). Collection method: clinical testing. Allele origin: germline.

Blueprint Genetics
Classification: Likely benign. Last evaluated: 2024-03-15. Review status: criteria provided, single submitter. Criteria: ACMG Guidelines, 2015. Collection method: clinical testing. Allele origin: germline.

Ambry Genetics
Classification: Likely benign for Hereditary cancer-predisposing syndrome. Last evaluated: 2017-09-27. Review status: criteria provided, single submitter. Criteria: Ambry Variant Classification Scheme 2023. Collection method: clinical testing. Allele origin: germline.